The following is an entry in ClinVar:

NM_001463.4(FRZB):c.872T>C (p.Met291Thr)

Gene: FRZB (frizzled related protein; minus strand). Cytogenetic location: 2q32.1.
Variant type: single nucleotide variant.
Coding change: c.872T>C on transcript NM_001463.4 (MANE Select); coding-DNA position 872, T replaced by C.
Protein change: p.Met291Thr; replaces methionine 291 with threonine.
Molecular consequence: missense variant.
Genome position (GRCh38, 1-based): chr2:182,834,955, A>G on the plus strand (T>C on the coding strand, the complement: FRZB is on the minus strand). VCF-style: chr2-182834955-A-G. GRCh37 (hg19) VCF-style: chr2-183699682-A-G.
Other names: short protein forms M291T.
Identifiers: ClinVar variation 774293 (VCV000774293.27), dbSNP rs112094045, ClinGen allele CA2013891.

ClinVar aggregate classification (germline): Benign/Likely benign. Review status: criteria provided, multiple submitters, no conflicts (2 of 4 stars). 2 submissions from 2 submitters: Benign (1); Likely benign (1). Last evaluated 2023-08-01.

Allele frequency attached by ClinVar (database versions not stated): 1000 Genomes Project 0.00419; 1000 Genomes Project 30x 0.00468; gnomAD 0.00554 and 0.00594; ESP Exome Variant Server 0.00569; TOPMed 0.00586; gnomAD exomes 0.00626 and 0.00691; ExAC 0.00629.
gnomAD v4.1: 10,946 of 1,609,976 alleles (0.68%); highest among the groups gnomAD compares: Non-Finnish European, 0.78%; 47 homozygotes.

Submissions (2):

CeGaT Center for Human Genetics Tuebingen
Classification: Likely benign. Last evaluated: 2023-08-01. Review status: criteria provided, single submitter. Criteria: CeGaT Center For Human Genetics Tuebingen Variant Classification Criteria Version 2. Collection method: clinical testing. Allele origin: germline. Affected: yes. Observed: 1 variant allele.
Comment: FRZB: BP4, BS2

Labcorp Genetics (formerly Invitae), Labcorp
Classification: Benign. Last evaluated: 2018-07-06. Review status: criteria provided, single submitter. Criteria: Invitae Variant Classification Sherloc (09022015). Collection method: clinical testing. Allele origin: germline.